The following is an entry in ClinVar:

GRCh37/hg19 22q11.21(chr22:18648867-21465659)x1

Genes: LZTR1 (leucine zipper like post translational regulator 1; plus strand), MED15 (mediator complex subunit 15; plus strand), USP18 (ubiquitin specific peptidase 18; plus strand), USP41 (ubiquitin specific peptidase 41; minus strand), ZDHHC8 (zDHHC palmitoyltransferase 8; plus strand) and 43 more. Cytogenetic location: 22q11.21.
Variant type: copy number loss.
Change: copy number 1 (one copy instead of two) of chr22:18,648,867-21,465,659 (2.82 Mb, GRCh37 coordinates, 1-based), cytogenetic band 22q11.21.
Identifiers: ClinVar variation 1807705 (VCV001807705.1).

ClinVar aggregate classification (germline): Pathogenic (1 of 4 stars; one submission).

Submission:

Quest Diagnostics Nichols Institute San Juan Capistrano
Classification: Pathogenic. Last evaluated: 2021-06-22. Review status: criteria provided, single submitter. Criteria: ACMG/ClinGen CNV Guidelines, 2019. Collection method: clinical testing. Allele origin: unknown.
Comment: The copy number loss at 22q11.21 includes the TBX1 gene (OMIM 602054). This deletion is associated with the 22q11.2 deletion syndrome (22q11.2DS). Individuals with 22q11.2DS have a range of phenotypic findings, including congenital heart defects, palatal abnormalities, characteristic facial features, learning difficulties, and immune deficiency (GeneReviews [Internet]. Phenotypes may present as DiGeorge syndrome (DGS; OMIM 188400), velocardiofacial syndrome (VCFS; OMIM 192430), conotruncal anomaly face syndrome (OMIM 217095) or as isolated outflow tract defects of the heart including tetralogy of Fallot (OMIM 187500), truncus arteriosus, and interrupted aortic arch. TBX1 in particular is responsible for most of the physical features of 22q11.2DS. Familial cases with microdeletion of this region are relatively common.